The following is an entry in ClinVar:

ClinVar aggregate classification (germline): Pathogenic/Likely pathogenic. Review status: criteria provided, multiple submitters, no conflicts (2 of 4 stars). 3 submissions from 3 submitters: Pathogenic (1); Likely pathogenic (2). Last evaluated 2025-12-29.

Conditions:
Primary ciliary dyskinesia 3. Identifiers: Orphanet 244, MedGen C1837618, MONDO:0012085, OMIM 608644.
Primary ciliary dyskinesia. Also called: Ciliary dyskinesia. Identifiers: Orphanet 244, MedGen C0008780, MONDO:0016575, HP:0012265.

Allele frequency attached by ClinVar (database versions not stated): gnomAD exomes 0.00001.

Submissions (3):

Natera, Inc.
Classification: Likely pathogenic for Primary ciliary dyskinesia. Last evaluated: 2025-12-29. Review status: criteria provided, single submitter. Criteria: Natera Variant Classification Schema (03/2026). Collection method: clinical testing. Allele origin: germline.
Comment: The c.9980del variant in DNAH5 is a frameshift variant predicted to shift the reading frame beginning at codon 3327 and leads to a stop codon 11 codons downstream. This variant is expected to result in nonsense mediated decay, truncation, or a dysfunctional protein product. This variant is rare in the general population with a frequency below the threshold expected for the associated phenotype(s). Given the available evidence, this variant is classified as Likely Pathogenic.

Fulgent Genetics
Classification: Likely pathogenic for Primary ciliary dyskinesia 3. Last evaluated: 2024-03-12. Review status: criteria provided, single submitter. Criteria: ACMG Guidelines, 2015. Collection method: clinical testing. Allele origin: germline.

Labcorp Genetics (formerly Invitae), Labcorp
Classification: Pathogenic for Primary ciliary dyskinesia. Last evaluated: 2023-10-22. Review status: criteria provided, single submitter. Criteria: Invitae Variant Classification Sherloc (09022015). Collection method: clinical testing. Allele origin: germline.
Comment: This sequence change creates a premature translational stop signal (p.Leu3327Argfs*11) in the DNAH5 gene. It is expected to result in an absent or disrupted protein product. Loss-of-function variants in DNAH5 are known to be pathogenic (PMID: 11788826, 16627867). This variant is not present in population databases (gnomAD no frequency). This variant has not been reported in the literature in individuals affected with DNAH5-related conditions. ClinVar contains an entry for this variant (Variation ID: 863480). For these reasons, this variant has been classified as Pathogenic.

Literature cited by the submitters: PubMed 11788826 (cited by Labcorp Genetics (formerly Invitae), Labcorp); PubMed 16627867 (cited by Labcorp Genetics (formerly Invitae), Labcorp).

NM_001369.3(DNAH5):c.9980del (p.Leu3327fs)

Gene: DNAH5 (dynein axonemal heavy chain 5; minus strand). Cytogenetic location: 5p15.2.
Variant type: Deletion.
Coding change: c.9980del on transcript NM_001369.3 (MANE Select); coding-DNA position 9980, one base deleted (T; older notation c.9980delT).
Protein change: p.Leu3327fs; shifts the reading frame from leucine 3327.
Molecular consequence: frameshift variant.
Genome position (GRCh38, 1-based): chr5:13,766,097, A deleted on the plus strand (T on the coding strand, the reverse complement: DNAH5 is on the minus strand). VCF-style (leftmost placement, unchanged base first): chr5-13766096-CA-C. GRCh37 (hg19) VCF-style: chr5-13766205-CA-C.
Other names: short protein forms L3327fs.
Identifiers: ClinVar variation 863480 (VCV000863480.11), dbSNP rs1752478598, ClinGen allele CA916082686.